The following is an entry in ClinVar:

NM_004186.5(SEMA3F):c.717G>A (p.Lys239=)

Gene: SEMA3F (semaphorin 3F; plus strand). Cytogenetic location: 3p21.31.
Variant type: single nucleotide variant.
Coding change: c.717G>A on transcript NM_004186.5 (MANE Select); coding-DNA position 717, G replaced by A.
Protein change: p.Lys239=; no amino-acid change (lysine 239 retained).
Molecular consequence: synonymous variant.
Genome position (GRCh38, 1-based): chr3:50,182,357, G>A. VCF-style: chr3-50182357-G-A. GRCh37 (hg19) VCF-style: chr3-50219790-G-A.
Other names: c.420G>A, p.Lys140= (NM_001318798.2); c.624G>A, p.Lys208= (NM_001318800.2).
Identifiers: ClinVar variation 3048112 (VCV003048112.2), dbSNP rs754585944, ClinGen allele CA2411881.

ClinVar aggregate classification (germline): Likely benign (0 of 4 stars; one submission).

Conditions:
SEMA3F-related disorder. Also called: SEMA3F-related condition.

Allele frequency attached by ClinVar (database versions not stated): gnomAD exomes 0.00010; ExAC 0.00012; gnomAD 0.00004; TOPMed 0.00006.
gnomAD v4.1: 161 of 1,614,090 alleles (0.01%); highest among the groups gnomAD compares: Middle Eastern, 0.2%; 2 homozygotes.

Submission:

PreventionGenetics, part of Exact Sciences
Classification: Likely benign for SEMA3F-related condition. Last evaluated: 2022-05-25. Review status: no assertion criteria provided. Collection method: clinical testing. Allele origin: germline.
Comment: This variant is classified as likely benign based on ACMG/AMP sequence variant interpretation guidelines (Richards et al. 2015 PMID: 25741868, with internal and published modifications).